The following is an entry in ClinVar:

ClinVar aggregate classification (germline): Likely benign (0 of 4 stars; one submission).

Conditions:
RIPOR2-related disorder. Also called: RIPOR2-related condition.

Allele frequency attached by ClinVar (database versions not stated): gnomAD exomes below 0.00001; gnomAD 0.00001; TOPMed 0.00001.
gnomAD v4.1: 12 of 1,535,098 alleles (0.00078%); highest among the groups gnomAD compares: East Asian, 0.0073%; no homozygotes.

Submission:

PreventionGenetics, part of Exact Sciences
Classification: Likely benign for RIPOR2-related condition. Last evaluated: 2020-10-06. Review status: no assertion criteria provided. Collection method: clinical testing. Allele origin: germline.
Comment: This variant is classified as likely benign based on ACMG/AMP sequence variant interpretation guidelines (Richards et al. 2015 PMID: 25741868, with internal and published modifications).

NM_001286445.3(RIPOR2):c.1858-1426C>T

Gene: RIPOR2 (RHO family interacting cell polarization regulator 2; minus strand). Cytogenetic location: 6p22.3.
Variant type: single nucleotide variant.
Coding change: c.1858-1426C>T on transcript NM_001286445.3 (MANE Select); 1426 bases into the intron before coding-DNA position 1858, C replaced by T.
Molecular consequence: intron variant. On other transcripts: 3 prime UTR variant (2).
Genome position (GRCh38, 1-based): chr6:24,840,698, G>A on the plus strand (C>T on the coding strand, the complement: RIPOR2 is on the minus strand). VCF-style: chr6-24840698-G-A. GRCh37 (hg19) VCF-style: chr6-24840926-G-A.
Other names: c.*6C>T (NM_001286446.3, NM_001286447.2); c.1771-1426C>T (NM_001346031.2, NM_001346032.2); c.1921-1426C>T (NM_014722.5); c.1771-1099C>T (NM_015864.5).
Identifiers: ClinVar variation 3035935 (VCV003035935.2), dbSNP rs1436746522, ClinGen allele CA565947660.